The following is an entry in ClinVar:

NM_032043.3(BRIP1):c.379+18T>C

Gene: BRIP1 (BRCA1 interacting DNA helicase 1; minus strand). Cytogenetic location: 17q23.2.
Variant type: single nucleotide variant.
Coding change: c.379+18T>C on transcript NM_032043.3 (MANE Select); 18 bases into the intron after coding-DNA position 379, T replaced by C.
Molecular consequence: intron variant.
Genome position (GRCh38, 1-based): chr17:61,857,040, A>G on the plus strand (T>C on the coding strand, the complement: BRIP1 is on the minus strand). VCF-style: chr17-61857040-A-G. GRCh37 (hg19) VCF-style: chr17-59934401-A-G.
Identifiers: ClinVar variation 509027 (VCV000509027.3), dbSNP rs1402237232, ClinGen allele CA626820032.

ClinVar aggregate classification (germline): Likely benign. Review status: criteria provided, multiple submitters, no conflicts (2 of 4 stars). 2 submissions from 2 submitters: Likely benign (2). Last evaluated 2025-02-27.

Conditions:
Familial cancer of breast. Also called: BREAST CANCER, FAMILIAL; Hereditary breast cancer; hereditary breast carcinoma. Identifiers: Orphanet 227535, MedGen C0346153, MONDO:0016419, OMIM 114480. Disease mechanism: loss of function.
Fanconi anemia complementation group J. Also called: BRIP1-Related Fanconi Anemia. Identifiers: Orphanet 84, MedGen C1836860, MONDO:0012187, OMIM 609054.

Allele frequency attached by ClinVar (database versions not stated): gnomAD exomes below 0.00001.
gnomAD v4.1: 3 of 1,611,796 alleles (0.00019%); highest among the groups gnomAD compares: Non-Finnish European, 0.00017%; no homozygotes.

Submissions (2):

Labcorp Genetics (formerly Invitae), Labcorp
Classification: Likely benign for Familial cancer of breast; Fanconi anemia complementation group J. Last evaluated: 2025-02-27. Review status: criteria provided, single submitter. Criteria: Invitae Variant Classification Sherloc (09022015). Collection method: clinical testing. Allele origin: germline.

GeneDx
Classification: Likely benign. Last evaluated: 2017-04-17. Review status: criteria provided, single submitter. Criteria: GeneDx Variant Classification (06012015). Collection method: clinical testing. Allele origin: germline. Affected: yes.
Comment: This variant is considered likely benign or benign based on one or more of the following criteria: it is a conservative change, it occurs at a poorly conserved position in the protein, it is predicted to be benign by multiple in silico algorithms, and/or has population frequency not consistent with disease.